The following is an entry in ClinVar:

ClinVar aggregate classification (germline): Pathogenic/Likely pathogenic. Review status: criteria provided, multiple submitters, no conflicts (2 of 4 stars). 4 submissions from 4 submitters: Pathogenic (2); Likely pathogenic (1). 1 of the submissions does not count toward it. Last evaluated 2026-03-13.

Conditions:
Cardiovascular phenotype. Identifiers: MedGen CN230736.
Long QT syndrome 1/2, digenic (LQT1/2, DIGENIC). Also called: Long QT syndrome 1/2. Identifiers: MedGen C3277700.
Long QT syndrome (LQTS). Identifiers: MedGen C0023976, MeSH D008133, MONDO:0002442. Disease mechanism: loss of function. Inheritance: Various modes of inheritance.

Allele frequency attached by ClinVar (database versions not stated): gnomAD exomes below 0.00001.
gnomAD v4.1: 1 of 1,614,168 alleles (0.000062%); highest among the groups gnomAD compares: Non-Finnish European, 0.000085%; no homozygotes.

Submissions (4):

Ambry Genetics
Classification: Pathogenic for Cardiovascular phenotype. Last evaluated: 2026-03-13. Review status: criteria provided, single submitter. Criteria: Ambry Variant Classification Scheme 2023. Collection method: clinical testing. Allele origin: germline.
Comment: The c.2592+1G>A intronic pathogenic mutation results from a G to A substitution one nucleotide after coding exon 10 of the KCNH2 gene. This variant was reported in individual(s) with features consistent with long QT syndrome (Berthet M et al. Circulation, 1999 Mar;99:1464-70; Splawski I et al. Circulation, 2000 Sep;102:1178-85; external communication). In an assay testing KCNH2 function, this variant showed a functionally abnormal result (Stump MR et al. Am J Physiol Heart Circ Physiol, 2011 Jan;300:H312-8). This variant is considered to be rare based on population cohorts in the Genome Aggregation Database (gnomAD). This nucleotide position is highly conserved in available vertebrate species. In silico splice site analysis predicts that this alteration will weaken the native splice donor site. Variants that disrupt the canonical splice site are expected to cause aberrant splicing, resulting in an abnormal protein or a transcript that is subject to nonsense-mediated mRNA decay. As such, this variant is classified as a disease-causing mutation.

GeneDx
Classification: Pathogenic. Last evaluated: 2024-01-02. Review status: criteria provided, single submitter. Criteria: GeneDx Variant Classification Process June 2021. Collection method: clinical testing. Allele origin: germline. Affected: yes.
Comment: Canonical splice site variant predicted to result in a null allele in a gene for which loss of function is a known mechanism of disease; Not observed at significant frequency in large population cohorts (gnomAD); Functional in vitro studies of hERG transfected HEK293 cells demonstrated that this variant abolishes the normal splicing and disrupts channel trafficking (PMID: 21057041); This variant is associated with the following publications: (PMID: 21057041, 10086971)

Labcorp Genetics (formerly Invitae), Labcorp
Classification: Likely pathogenic for Long QT syndrome. Last evaluated: 2023-09-28. Review status: criteria provided, single submitter. Criteria: Invitae Variant Classification Sherloc (09022015). Collection method: clinical testing. Allele origin: germline.
Comment: In summary, the currently available evidence indicates that the variant is pathogenic, but additional data are needed to prove that conclusively. Therefore, this variant has been classified as Likely Pathogenic. Studies have shown that disruption of this splice site is associated with altered splicing resulting in multiple RNA products (PMID: 21057041). ClinVar contains an entry for this variant (Variation ID: 14438). Disruption of this splice site has been observed in individuals with long QT syndrome (PMID: 10086971; Invitae). This variant is not present in population databases (gnomAD no frequency). This sequence change affects a donor splice site in intron 10 of the KCNH2 gene. It is expected to disrupt RNA splicing. Variants that disrupt the donor or acceptor splice site typically lead to a loss of protein function (PMID: 16199547), and loss-of-function variants in KCNH2 are known to be pathogenic (PMID: 10973849, 19862833).

OMIM
Classification: Pathogenic for LONG QT SYNDROME 1/2, DIGENIC. Last evaluated: 1999-03-23. Review status: no assertion criteria provided. Collection method: literature only. Allele origin: germline. Not counted in ClinVar's aggregate classification.

Literature cited by the submitters: PubMed 10086971 (cited by 3 submitters); PubMed 10973849 (cited by Ambry Genetics and Labcorp Genetics (formerly Invitae), Labcorp); PubMed 21057041 (cited by Ambry Genetics and Labcorp Genetics (formerly Invitae), Labcorp); PubMed 16199547 (cited by Labcorp Genetics (formerly Invitae), Labcorp); PubMed 19862833 (cited by Labcorp Genetics (formerly Invitae), Labcorp).

NM_000238.4(KCNH2):c.2592+1G>A

Gene: KCNH2 (potassium voltage-gated channel subfamily H member 2; minus strand). Cytogenetic location: 7q36.1.
Variant type: single nucleotide variant.
Coding change: c.2592+1G>A on transcript NM_000238.4 (MANE Select); the canonical splice donor site of the intron after coding-DNA position 2592, G replaced by A.
Molecular consequence: splice donor variant.
Genome position (GRCh38, 1-based): chr7:150,948,855, C>T on the plus strand (G>A on the coding strand, the complement: KCNH2 is on the minus strand). VCF-style: chr7-150948855-C-T. GRCh37 (hg19) VCF-style: chr7-150645943-C-T.
Other names: IVS10, G-A, +1; c.2304+1G>A (NM_001406753.1); c.1572+1G>A (NM_172057.3); c.2592+1G>A (NM_000238.3).
Identifiers: ClinVar variation 14438 (VCV000014438.6), dbSNP rs1554424772, ClinGen allele CA369854665.
Genomic context (GRCh38, chr7:150,948,855, plus strand): 5'-AAGGGGCAGCCACACAGCTGGAAGCAGGAGGATGGGGTCCAGCTCAGGGCAGCCAACTCA[C>T]ATCTCGCAGGTTGAAGGTGATCTCCAGGCTGGACCAGAAGTGGTCGGAGAACTCAGGGTA-3'